The following is an entry in ClinVar:

NM_001281740.3(FHOD3):c.3281G>A (p.Arg1094Gln)

Gene: FHOD3 (formin homology 2 domain containing 3; plus strand). Cytogenetic location: 18q12.2.
Variant type: single nucleotide variant.
Coding change: c.3281G>A on transcript NM_001281740.3 (MANE Select); coding-DNA position 3281, G replaced by A.
Protein change: p.Arg1094Gln; replaces arginine 1094 with glutamine.
Molecular consequence: missense variant.
Genome position (GRCh38, 1-based): chr18:36,718,579, G>A. VCF-style: chr18-36718579-G-A. GRCh37 (hg19) VCF-style: chr18-34298542-G-A.
Other names: c.2705G>A, p.Arg902Gln (NM_001281739.3); c.2756G>A, p.Arg919Gln (NM_025135.5); short protein forms R919Q, R1094Q, R902Q.
Identifiers: ClinVar variation 775397 (VCV000775397.13), dbSNP rs78740177, ClinGen allele CA8942066.

ClinVar aggregate classification (germline): Benign. Review status: criteria provided, multiple submitters, no conflicts (2 of 4 stars). 4 submissions from 4 submitters: Benign (4). Last evaluated 2025-04-09.

Allele frequency attached by ClinVar (database versions not stated): ExAC 0.00251; gnomAD exomes 0.00255; 1000 Genomes Project 0.00379; ESP Exome Variant Server 0.00400; 1000 Genomes Project 30x 0.00453; gnomAD 0.00466 and 0.00488; TOPMed 0.00541.
gnomAD v4.1: 3,465 of 1,614,094 alleles (0.21%); highest among the groups gnomAD compares: Middle Eastern, 2.5%; 28 homozygotes.

Submissions (4):

Molecular Diagnostic Laboratory for Inherited Cardiovascular Disease, Montreal Heart Institute
Classification: Benign. Last evaluated: 2025-04-09. Review status: criteria provided, single submitter. Criteria: ACMG Guidelines, 2015. Collection method: clinical testing. Allele origin: germline. Affected: no.

CeGaT Center for Human Genetics Tuebingen
Classification: Benign. Last evaluated: 2025-04-01. Review status: criteria provided, single submitter. Criteria: CeGaT Center For Human Genetics Tuebingen Variant Classification Criteria Version 2. Collection method: clinical testing. Allele origin: germline. Affected: yes. Observed: 1 variant allele.
Comment: FHOD3: BS1, BS2

Labcorp Genetics (formerly Invitae), Labcorp
Classification: Benign. Last evaluated: 2019-12-31. Review status: criteria provided, single submitter. Criteria: Invitae Variant Classification Sherloc (09022015). Collection method: clinical testing. Allele origin: germline.

Breakthrough Genomics
Classification: Benign. Review status: criteria provided, single submitter. Criteria: ACMG Guidelines, 2015. Collection method: not provided. Allele origin: germline. Inheritance: Autosomal dominant inheritance. Affected: yes.